The following is an entry in ClinVar:

NM_031443.4(CCM2):c.134_135del (p.Val45fs)

Gene: CCM2 (CCM2 scaffold protein; plus strand). Cytogenetic location: 7p13.
Variant type: Microsatellite.
Coding change: c.134_135del on transcript NM_031443.4 (MANE Select); coding-DNA positions 134 to 135, 2 bases deleted (TG; older notation c.134_135delTG).
Protein change: p.Val45fs; shifts the reading frame from valine 45.
Molecular consequence: frameshift variant. On other transcripts: non-coding transcript variant (1), intron variant (2).
Genome position (GRCh38, 1-based): chr7:45,038,356-45,038,357, TG deleted; deleting any 2 consecutive bases within chr7:45,038,354-45,038,357 gives the same sequence; the c. name uses the placement nearest the transcript's 3' end. VCF-style (leftmost placement, unchanged base first): chr7-45038353-CTG-C. GRCh37 (hg19) VCF-style: chr7-45077952-CTG-C.
Other names: c.134_135delTG (NM_031443.3); c.134_135del (NM_031443.3); c.197_198del, p.Val66fs (NM_001029835.2); c.134_135del, p.Val45fs (NM_001167935.2, NM_001363458.2); c.31-25562_31-25561del (NM_001363459.2, NM_001167934.2); short protein forms V66fs, V45fs.
Identifiers: ClinVar variation 590648 (VCV000590648.4), dbSNP rs1562881980, ClinGen allele CA891862757.
Genomic context (GRCh38, chr7:45,038,353, plus strand): 5'-GTGAAAAGAGTAGAGATAAGAAAGCCCATGAGAAGGTGACAGAGAGGCGCCCTCTGCACA[CTG>C]TGGTGTTGTCATTGCCTGAGCGCGTCGAGCCAGACAGACTGCTGAGCGACTATATTGAGA-3'

ClinVar aggregate classification (germline): Pathogenic/Likely pathogenic. Review status: criteria provided, multiple submitters, no conflicts (2 of 4 stars). 2 submissions from 2 submitters: Pathogenic (1); Likely pathogenic (1). Last evaluated 2024-12-02.

Submissions (2):

Athena Diagnostics
Classification: Pathogenic. Last evaluated: 2024-12-02. Review status: criteria provided, single submitter. Criteria: Athena Diagnostics Criteria. Collection method: clinical testing. Allele origin: unknown.
Comment: This variant is expected to result in the loss of a functional protein. This variant has not been reported in large, multi-ethnic general populations. This variant has been identified in at least one individual with clinical features associated with this gene.

PreventionGenetics, part of Exact Sciences
Classification: Likely pathogenic. Last evaluated: 2013-10-07. Review status: criteria provided, single submitter. Criteria: ACMG Guidelines, 2015. Collection method: clinical testing. Allele origin: germline.

Literature cited by the submitters: PubMed 30161288 (cited by Athena Diagnostics); PubMed 31254430 (cited by Athena Diagnostics); PubMed 31824402 (cited by Athena Diagnostics).